The following is an entry in ClinVar:

ClinVar aggregate classification (germline): Conflicting classifications of pathogenicity. Review status: criteria provided, conflicting classifications (1 of 4 stars). 3 submissions from 3 submitters: Uncertain significance (2); Likely benign (1). Last evaluated 2025-05-21.

Conditions:
NRXN2-related disorder. Also called: NRXN2-related condition.

Allele frequency attached by ClinVar (database versions not stated): ExAC 0.00002; gnomAD exomes 0.00003; gnomAD 0.00005; TOPMed 0.00005; 1000 Genomes Project 30x 0.00016.
gnomAD v4.1: 46 of 1,614,134 alleles (0.0028%); highest among the groups gnomAD compares: Middle Eastern, 0.016%; no homozygotes.

Submissions (3):

Ambry Genetics
Classification: Uncertain significance. Last evaluated: 2025-05-21. Review status: criteria provided, single submitter. Criteria: Ambry Variant Classification Scheme 2023. Collection method: clinical testing. Allele origin: germline.

PreventionGenetics, part of Exact Sciences
Classification: Uncertain significance for NRXN2-related condition. Last evaluated: 2022-11-15. Review status: criteria provided, single submitter. Criteria: ACMG Guidelines, 2015. Collection method: clinical testing. Allele origin: germline.
Comment: The NRXN2 c.1609C>T variant is predicted to result in the amino acid substitution p.Arg537Trp. To our knowledge, this variant has not been reported in the literature. This variant is reported in 0.0035% of alleles in individuals of European (Non-Finnish) descent in gnomAD. At this time, the clinical significance of this variant is uncertain due to the absence of conclusive functional and genetic evidence.

Blueprint Genetics
Classification: Likely benign. Last evaluated: 2019-09-16. Review status: criteria provided, single submitter. Criteria: ACMG Guidelines, 2015. Collection method: clinical testing. Allele origin: germline.

NM_015080.4(NRXN2):c.1609C>T (p.Arg537Trp)

Gene: NRXN2 (neurexin 2; minus strand). Cytogenetic location: 11q13.1.
Variant type: single nucleotide variant.
Coding change: c.1609C>T on transcript NM_015080.4 (MANE Select); coding-DNA position 1609, C replaced by T.
Protein change: p.Arg537Trp; replaces arginine 537 with tryptophan.
Molecular consequence: missense variant.
Genome position (GRCh38, 1-based): chr11:64,667,439, G>A on the plus strand (C>T on the coding strand, the complement: NRXN2 is on the minus strand). VCF-style: chr11-64667439-G-A. GRCh37 (hg19) VCF-style: chr11-64434911-G-A.
Other names: c.1609C>T, p.Arg537Trp (NM_001376262.1); c.1588C>T, p.Arg530Trp (NM_001376263.1, NM_001376267.1); c.1564C>T, p.Arg522Trp (NM_001376265.1); c.1585C>T, p.Arg529Trp (NM_001376266.1); c.1516C>T, p.Arg506Trp (NM_138732.3); short protein forms R506W, R522W, R529W, R530W, R537W.
Identifiers: ClinVar variation 2636089 (VCV002636089.3), dbSNP rs762261549, ClinGen allele CA6078408.
Genomic context (GRCh38, chr11:64,667,439, plus strand): 5'-CCATGGCAAAGTAGTCGGCCCGCTGAGCAGAGCTGTGGCTGCCAGCTCCACCCCCAGCCC[G>A]CCGGCCCTGGCTGAAGAGCAGCAGCCCATTGGGCTCGGTGGTGCGGAAGTCTAGGGAGAT-3'
Protein context (NP_055895.1, residues 527-547): NGLLLFSQGR[Arg537Trp]AGGGAGSHSS